The following is an entry in ClinVar:

NM_003571.4(BFSP2):c.880C>T (p.Leu294Phe)

Genes: BFSP2-AS1 (BFSP2 antisense RNA 1; minus strand), BFSP2 (beaded filament structural protein 2; plus strand). Cytogenetic location: 3q22.1.
Variant type: single nucleotide variant.
Coding change: c.880C>T on transcript NM_003571.4 (MANE Select); coding-DNA position 880, C replaced by T.
Protein change: p.Leu294Phe; replaces leucine 294 with phenylalanine.
Molecular consequence: missense variant.
Genome position (GRCh38, 1-based): chr3:133,450,453, C>T. VCF-style: chr3-133450453-C-T. GRCh37 (hg19) VCF-style: chr3-133169297-C-T.
Other names: short protein forms L294F.
Identifiers: ClinVar variation 2886464 (VCV002886464.3), dbSNP rs773755796, ClinGen allele CA2623387.

ClinVar aggregate classification (germline): Uncertain significance (1 of 4 stars; one submission).

Conditions:
Cataract 12 multiple types. Identifiers: Orphanet 91492, MedGen C3808115, MONDO:0012701, OMIM 611597.

Allele frequency attached by ClinVar (database versions not stated): TOPMed below 0.00001; gnomAD 0.00001; gnomAD exomes 0.00002; ExAC 0.00004.

Submission:

Labcorp Genetics (formerly Invitae), Labcorp
Classification: Uncertain significance for Cataract 12 multiple types. Last evaluated: 2023-03-18. Review status: criteria provided, single submitter. Criteria: Invitae Variant Classification Sherloc (09022015). Collection method: clinical testing. Allele origin: germline.
Comment: In summary, the available evidence is currently insufficient to determine the role of this variant in disease. Therefore, it has been classified as a Variant of Uncertain Significance. Advanced modeling of protein sequence and biophysical properties (such as structural, functional, and spatial information, amino acid conservation, physicochemical variation, residue mobility, and thermodynamic stability) performed at Invitae indicates that this missense variant is not expected to disrupt BFSP2 protein function. This sequence change replaces leucine, which is neutral and non-polar, with phenylalanine, which is neutral and non-polar, at codon 294 of the BFSP2 protein (p.Leu294Phe). This variant is present in population databases (rs773755796, gnomAD 0.05%). This variant has not been reported in the literature in individuals affected with BFSP2-related conditions.